The following is an entry in ClinVar:

NM_000179.3(MSH6):c.340C>T (p.Pro114Ser)

Gene: MSH6 (mutS homolog 6; plus strand). Cytogenetic location: 2p16.3.
Variant type: single nucleotide variant.
Coding change: c.340C>T on transcript NM_000179.3 (MANE Select); coding-DNA position 340, C replaced by T.
Protein change: p.Pro114Ser; replaces proline 114 with serine.
Molecular consequence: missense variant. On other transcripts: 5 prime UTR variant (2), intron variant (1).
Genome position (GRCh38, 1-based): chr2:47,791,006, C>T. VCF-style: chr2-47791006-C-T. GRCh37 (hg19) VCF-style: chr2-48018145-C-T.
Other names: c.-397C>T (NM_001281493.2, NM_001406811.1, NM_001406823.1 and 1 more transcripts); c.-563C>T (NM_001281494.2); c.436C>T, p.Pro146Ser (NM_001406795.1, NM_001406802.1); c.340C>T, p.Pro114Ser (NM_001406796.1, NM_001406798.1, NM_001406800.1 and 6 more transcripts); c.43C>T, p.Pro15Ser (NM_001406797.1, NM_001406801.1, NM_001406805.1 and 10 more transcripts); c.262C>T, p.Pro88Ser (NM_001406804.1); c.-589C>T (NM_001406807.1); c.-655C>T (NM_001406814.1); and 2 more; short protein forms P146S, P114S, P88S, P15S, P58S.
Identifiers: ClinVar variation 1731161 (VCV001731161.2), dbSNP rs1668691074, ClinGen allele CA346736969.

ClinVar aggregate classification (germline): Uncertain significance (1 of 4 stars; one submission).

Conditions:
Hereditary cancer-predisposing syndrome. Also called: Neoplastic Syndromes, Hereditary; Tumor predisposition; Hereditary Cancer Syndrome; Hereditary neoplastic syndrome. Identifiers: Orphanet 140162, MedGen C0027672, MeSH D009386, MONDO:0015356.

Allele frequency attached by ClinVar (database versions not stated): gnomAD exomes below 0.00001.

Submission:

Ambry Genetics
Classification: Uncertain significance for Hereditary cancer-predisposing syndrome. Last evaluated: 2022-08-03. Review status: criteria provided, single submitter. Criteria: Ambry Variant Classification Scheme 2023. Collection method: clinical testing. Allele origin: germline.
Comment: The p.P114S variant (also known as c.340C>T), located in coding exon 2 of the MSH6 gene, results from a C to T substitution at nucleotide position 340. The proline at codon 114 is replaced by serine, an amino acid with similar properties. This amino acid position is highly conserved in available vertebrate species. In addition, the in silico prediction for this alteration is inconclusive. Since supporting evidence is limited at this time, the clinical significance of this alteration remains unclear.